The following is an entry in ClinVar:

NM_014225.6(PPP2R1A):c.78+54G>T

Gene: PPP2R1A (protein phosphatase 2 scaffold subunit Aalpha; plus strand). Cytogenetic location: 19q13.41.
Variant type: single nucleotide variant.
Coding change: c.78+54G>T on transcript NM_014225.6 (MANE Select); 54 bases into the intron after coding-DNA position 78, G replaced by T.
Molecular consequence: intron variant.
Genome position (GRCh38, 1-based): chr19:52,190,228, G>T. VCF-style: chr19-52190228-G-T. GRCh37 (hg19) VCF-style: chr19-52693481-G-T.
Identifiers: ClinVar variation 3772178 (VCV003772178.13).

ClinVar aggregate classification (germline): Likely benign (1 of 4 stars; one submission).

gnomAD v4.1: 27 of 1,529,142 alleles (0.0018%); highest among the groups gnomAD compares: Non-Finnish European, 0.0022%; no homozygotes.

Submission:

CeGaT Center for Human Genetics Tuebingen
Classification: Likely benign. Last evaluated: 2025-01-01. Review status: criteria provided, single submitter. Criteria: CeGaT Center For Human Genetics Tuebingen Variant Classification Criteria Version 2. Collection method: clinical testing. Allele origin: germline. Affected: yes. Observed: 1 variant allele.
Comment: PPP2R1A: BP4, BP7